The following is an entry in ClinVar:

NM_020433.5(JPH2):c.910G>T (p.Gly304Cys)

Gene: JPH2 (junctophilin 2; minus strand). Cytogenetic location: 20q13.12.
Variant type: single nucleotide variant.
Coding change: c.910G>T on transcript NM_020433.5 (MANE Select); coding-DNA position 910, G replaced by T.
Protein change: p.Gly304Cys; replaces glycine 304 with cysteine.
Molecular consequence: missense variant.
Genome position (GRCh38, 1-based): chr20:44,159,877, C>A on the plus strand (G>T on the coding strand, the complement: JPH2 is on the minus strand). VCF-style: chr20-44159877-C-A. GRCh37 (hg19) VCF-style: chr20-42788517-C-A.
Other names: c.910G>T (NM_020433.4); short protein forms G304C.
Identifiers: ClinVar variation 1677678 (VCV001677678.2), dbSNP rs2072594160, ClinGen allele CA409093405.
Genomic context (GRCh38, chr20:44,159,877, plus strand): 5'-GGCGCAGGTTGTCCAGCCACTCGCCCTCGTAGCGGAGGCCACTGGAGCGTTCGCTCACGC[C>A]GAAGCCCGAGCGTTTGTCGTTCTTCCACTCGCCCATGTAGGTCTCGGTGGTGGTGGCGTC-3'
Protein context (NP_065166.2, residues 294-314): EWKNDKRSGF[Gly304Cys]VSERSSGLRY

ClinVar aggregate classification (germline): Uncertain significance. Review status: criteria provided, multiple submitters, no conflicts (2 of 4 stars). 2 submissions from 2 submitters: Uncertain significance (2). Last evaluated 2025-08-07.

gnomAD v4.1: 1 of 1,613,416 alleles (0.000062%); highest among the groups gnomAD compares: Non-Finnish European, 0.000085%; no homozygotes.

Submissions (2):

GeneDx
Classification: Uncertain significance. Last evaluated: 2025-08-07. Review status: criteria provided, single submitter. Criteria: GeneDx Variant Classification Process June 2021. Collection method: clinical testing. Allele origin: germline. Affected: yes.
Comment: Not observed at significant frequency in large population cohorts (gnomAD); In silico analysis supports that this missense variant has a deleterious effect on protein structure/function; Has not been previously published as pathogenic or benign to our knowledge

AiLife Diagnostics
Classification: Uncertain significance. Last evaluated: 2021-12-03. Review status: criteria provided, single submitter. Criteria: ACMG Guidelines, 2015. Collection method: clinical testing. Allele origin: germline. Affected: yes. Observed: 1 variant allele.